The following is an entry in ClinVar:

ClinVar aggregate classification (germline): Likely benign (1 of 4 stars; one submission).

gnomAD v4.1: 2 of 1,613,038 alleles (0.00012%); highest among the groups gnomAD compares: Non-Finnish European, 0.000085%; no homozygotes.

Submission:

Women's Health and Genetics/Laboratory Corporation of America, LabCorp
Classification: Likely benign. Last evaluated: 2026-03-03. Review status: criteria provided, single submitter. Criteria: LabCorp Variant Classification Summary - May 2015. Collection method: clinical testing. Allele origin: germline.
Comment: Variant summary: MYLK c.5368+9G>A alters a non-conserved nucleotide located at a position not widely known to affect splicing. Consensus agreement among computation tools predict no significant impact on normal splicing. However, these predictions have yet to be confirmed by functional studies. The variant was absent in 248838 control chromosomes. The available data on variant occurrences in the general population are insufficient to allow any conclusion about variant significance. To our knowledge, no occurrence of c.5368+9G>A in individuals affected with MYLK-related conditions and no experimental evidence demonstrating its impact on protein function have been reported. No submitters have cited clinical-significance assessments for this variant to ClinVar. Based on the evidence outlined above, the variant was classified as likely benign.

NM_053025.4(MYLK):c.5368+9G>A

Genes: MYLK (myosin light chain kinase; minus strand), MYLK-AS1 (MYLK antisense RNA 1; plus strand). Cytogenetic location: 3q21.1.
Variant type: single nucleotide variant.
Coding change: c.5368+9G>A on transcript NM_053025.4 (MANE Select); 9 bases into the intron after coding-DNA position 5368, G replaced by A.
Molecular consequence: intron variant.
Genome position (GRCh38, 1-based): chr3:123,620,198, C>T on the plus strand (G>A on the coding strand, the complement: MYLK is on the minus strand). VCF-style: chr3-123620198-C-T. GRCh37 (hg19) VCF-style: chr3-123339045-C-T.
Other names: c.4840+9G>A (NM_001321309.2); c.5008+9G>A (NM_053028.4); c.5161+9G>A (NM_053026.4); c.5215+9G>A (NM_053027.4); c.88+9G>A (NM_001438035.1, NM_053031.4, NM_053032.4).
Identifiers: ClinVar variation 4847531 (VCV004847531.1).